The following is an entry in ClinVar:

ClinVar aggregate classification (germline): Uncertain significance (1 of 4 stars; one submission).

gnomAD v4.1: 1 of 1,557,480 alleles (0.000064%); no homozygotes.

Submission:

Labcorp Genetics (formerly Invitae), Labcorp
Classification: Uncertain significance. Last evaluated: 2023-07-17. Review status: criteria provided, single submitter. Criteria: Invitae Variant Classification Sherloc (09022015). Collection method: clinical testing. Allele origin: germline.
Comment: In summary, the available evidence is currently insufficient to determine the role of this variant in disease. Therefore, it has been classified as a Variant of Uncertain Significance. An algorithm developed to predict the effect of missense changes on protein structure and function (PolyPhen-2) suggests that this variant is likely to be disruptive. ClinVar contains an entry for this variant (Variation ID: 1507672). This variant has not been reported in the literature in individuals affected with ATRN-related conditions. This variant is not present in population databases (gnomAD no frequency). This sequence change replaces proline, which is neutral and non-polar, with glutamine, which is neutral and polar, at codon 166 of the ATRN protein (p.Pro166Gln).

NM_139321.3(ATRN):c.497C>A (p.Pro166Gln)

Gene: ATRN (attractin; plus strand). Cytogenetic location: 20p13.
Variant type: single nucleotide variant.
Coding change: c.497C>A on transcript NM_139321.3 (MANE Select); coding-DNA position 497, C replaced by A.
Protein change: p.Pro166Gln; replaces proline 166 with glutamine.
Molecular consequence: missense variant.
Genome position (GRCh38, 1-based): chr20:3,540,224, C>A. VCF-style: chr20-3540224-C-A. GRCh37 (hg19) VCF-style: chr20-3520871-C-A.
Other names: c.149C>A, p.Pro50Gln (NM_001207047.3); c.497C>A, p.Pro166Gln (NM_001323332.2, NM_139322.4); short protein forms P50Q, P166Q.
Identifiers: ClinVar variation 1507672 (VCV001507672.6), dbSNP rs759749245, ClinGen allele CA408252488.